The following is an entry in ClinVar:

ClinVar aggregate classification (germline): Uncertain significance. Review status: criteria provided, multiple submitters, no conflicts (2 of 4 stars). 2 submissions from 2 submitters: Uncertain significance (2). Last evaluated 2024-08-12.

Allele frequency attached by ClinVar (database versions not stated): gnomAD 0.00001; gnomAD exomes 0.00001 and 0.00006; TOPMed 0.00002; ExAC 0.00003.
gnomAD v4.1: 17 of 1,609,448 alleles (0.0011%); highest among the groups gnomAD compares: Admixed American, 0.024%; no homozygotes.

Submissions (2):

Ambry Genetics
Classification: Uncertain significance. Last evaluated: 2024-08-12. Review status: criteria provided, single submitter. Criteria: Ambry Variant Classification Scheme 2023. Collection method: clinical testing. Allele origin: germline.

Labcorp Genetics (formerly Invitae), Labcorp
Classification: Uncertain significance. Last evaluated: 2022-06-23. Review status: criteria provided, single submitter. Criteria: Invitae Variant Classification Sherloc (09022015). Collection method: clinical testing. Allele origin: germline.
Comment: This sequence change replaces valine, which is neutral and non-polar, with alanine, which is neutral and non-polar, at codon 1715 of the CCDC88A protein (p.Val1715Ala). This variant is present in population databases (rs754328618, gnomAD 0.05%). This variant has not been reported in the literature in individuals affected with CCDC88A-related conditions. Algorithms developed to predict the effect of missense changes on protein structure and function (SIFT, PolyPhen-2, Align-GVGD) all suggest that this variant is likely to be tolerated. In summary, the available evidence is currently insufficient to determine the role of this variant in disease. Therefore, it has been classified as a Variant of Uncertain Significance.

NM_001365480.1(CCDC88A):c.5147T>C (p.Val1716Ala)

Gene: CCDC88A (coiled-coil domain containing 88A; minus strand). Cytogenetic location: 2p16.1.
Variant type: single nucleotide variant.
Coding change: c.5147T>C on transcript NM_001365480.1 (MANE Select); coding-DNA position 5147, T replaced by C.
Protein change: p.Val1716Ala; replaces valine 1716 with alanine.
Molecular consequence: missense variant.
Genome position (GRCh38, 1-based): chr2:55,296,001, A>G on the plus strand (T>C on the coding strand, the complement: CCDC88A is on the minus strand). VCF-style: chr2-55296001-A-G. GRCh37 (hg19) VCF-style: chr2-55523137-A-G.
Other names: c.5144T>C, p.Val1715Ala (NM_001135597.2, NM_001254943.2); c.5063T>C, p.Val1688Ala (NM_018084.5); c.5144T>C (NM_001135597.1); short protein forms V1688A, V1715A, V1716A.
Identifiers: ClinVar variation 1432393 (VCV001432393.4), dbSNP rs754328618, ClinGen allele CA1665377.